The following is an entry in ClinVar:

NM_000088.4(COL1A1):c.1667C>A (p.Pro556His)

Gene: COL1A1 (collagen type I alpha 1 chain; minus strand). Cytogenetic location: 17q21.33.
Variant type: single nucleotide variant.
Coding change: c.1667C>A on transcript NM_000088.4 (MANE Select); coding-DNA position 1667, C replaced by A.
Protein change: p.Pro556His; replaces proline 556 with histidine.
Molecular consequence: missense variant.
Genome position (GRCh38, 1-based): chr17:50,194,131, G>T on the plus strand (C>A on the coding strand, the complement: COL1A1 is on the minus strand). VCF-style: chr17-50194131-G-T. GRCh37 (hg19) VCF-style: chr17-48271492-G-T.
Other names: short protein forms P556H.
Identifiers: ClinVar variation 4797268 (VCV004797268.1).
Genomic context (GRCh38, chr17:50,194,131, plus strand): 5'-GAGGACAGCAGGGAGGCAGACAGGACAATGGCAGGGGGTTCAGGGGGAGTGATACTTACA[G>T]GGGGGCCAGTTTTGCCATCAGGACCAGGGCTGCCAGGGCTTCCAGTCAGACCCTAGGGAG-3'
Protein context (NP_000079.2, residues 546-566): SPGPDGKTGP[Pro556His]GPAGQDGRPG

ClinVar aggregate classification (germline): Uncertain significance (1 of 4 stars; one submission).

Conditions:
Osteogenesis imperfecta type I (OI1). Also called: OI, TYPE I; OSTEOGENESIS IMPERFECTA TARDA; OSTEOGENESIS IMPERFECTA WITH BLUE SCLERAE; Lobstein's Disease; Osteogenesis imperfecta type 1; Classic Non-deforming Osteogenesis Imperfecta with Blue Sclerae. Identifiers: Orphanet 216796, Orphanet 666, MedGen C0023931, MONDO:0008146, OMIM 166200. Disease mechanism: loss of function.

Submission:

Labcorp Genetics (formerly Invitae), Labcorp
Classification: Uncertain significance for Osteogenesis imperfecta type I. Last evaluated: 2025-11-23. Review status: criteria provided, single submitter. Criteria: Invitae Variant Classification Sherloc (09022015). Collection method: clinical testing. Allele origin: germline.
Comment: This sequence change replaces proline, which is neutral and non-polar, with histidine, which is basic and polar, at codon 556 of the COL1A1 protein (p.Pro556His). This variant is not present in population databases (gnomAD no frequency). This variant has not been reported in the literature in individuals affected with COL1A1-related conditions. Experimental studies and prediction algorithms are not available or were not evaluated, and the functional significance of this variant is currently unknown. In summary, the available evidence is currently insufficient to determine the role of this variant in disease. Therefore, it has been classified as a Variant of Uncertain Significance.